The following is an entry in ClinVar:

NM_001184785.2(PARD3):c.3543G>A (p.Pro1181=)

Gene: PARD3 (par-3 family cell polarity regulator; minus strand). Cytogenetic location: 10p11.22.
Variant type: single nucleotide variant.
Coding change: c.3543G>A on transcript NM_001184785.2 (MANE Select); coding-DNA position 3543, G replaced by A.
Protein change: p.Pro1181=; no amino-acid change (proline 1181 retained).
Molecular consequence: synonymous variant.
Genome position (GRCh38, 1-based): chr10:34,119,738, C>T on the plus strand (G>A on the coding strand, the complement: PARD3 is on the minus strand). VCF-style: chr10-34119738-C-T. GRCh37 (hg19) VCF-style: chr10-34408666-C-T.
Other names: c.3504G>A, p.Pro1168= (NM_001184786.2); c.3441G>A, p.Pro1147= (NM_001184787.2); c.3414G>A, p.Pro1138= (NM_001184788.2); c.3303G>A, p.Pro1101= (NM_001184789.2); c.3282G>A, p.Pro1094= (NM_001184790.2); c.3216G>A, p.Pro1072= (NM_001184791.2); c.3552G>A, p.Pro1184= (NM_019619.4).
Identifiers: ClinVar variation 3052525 (VCV003052525.2), dbSNP rs772862874, ClinGen allele CA5467228.

ClinVar aggregate classification (germline): Likely benign (0 of 4 stars; one submission).

Conditions:
PARD3-related disorder. Also called: PARD3-related condition.

Allele frequency attached by ClinVar (database versions not stated): ExAC 0.00002; gnomAD 0.00002; gnomAD exomes 0.00002; TOPMed 0.00002.
gnomAD v4.1: 38 of 1,609,996 alleles (0.0024%); highest among the groups gnomAD compares: Middle Eastern, 0.066%; no homozygotes.

Submission:

PreventionGenetics, part of Exact Sciences
Classification: Likely benign for PARD3-related condition. Last evaluated: 2019-09-05. Review status: no assertion criteria provided. Collection method: clinical testing. Allele origin: germline.
Comment: This variant is classified as likely benign based on ACMG/AMP sequence variant interpretation guidelines (Richards et al. 2015 PMID: 25741868, with internal and published modifications).